The following is an entry in ClinVar:

ClinVar aggregate classification (germline): Likely pathogenic (1 of 4 stars; one submission).

Submission:

GeneDx
Classification: Likely pathogenic. Last evaluated: 2025-05-09. Review status: criteria provided, single submitter. Criteria: GeneDx Variant Classification Process June 2021. Collection method: clinical testing. Allele origin: germline.
Comment: Frameshift variant predicted to result in protein truncation or nonsense mediated decay in a gene for which loss of function is a known mechanism of disease; Not observed at significant frequency in large population cohorts (gnomAD); Has not been previously published as pathogenic or benign to our knowledge

NM_207346.3(TSEN54):c.308dup (p.Phe104fs)

Gene: TSEN54 (tRNA splicing endonuclease subunit 54; plus strand). Cytogenetic location: 17q25.1.
Variant type: Duplication.
Coding change: c.308dup on transcript NM_207346.3 (MANE Select); coding-DNA position 308, one base duplicated (G; older notation c.308dupG).
Protein change: p.Phe104fs; shifts the reading frame from phenylalanine 104.
Molecular consequence: frameshift variant.
Genome position (GRCh38, 1-based): chr17:75,517,183, G duplicated; the last of 3 consecutive G bases (chr17:75,517,181-75,517,183); duplicating any one gives the same sequence. VCF-style (leftmost placement, unchanged base first): chr17-75517180-T-TG. GRCh37 (hg19) VCF-style: chr17-73513261-T-TG.
Other names: short protein forms F104fs.
Identifiers: ClinVar variation 3364093 (VCV003364093.2).